The following is an entry in ClinVar:

ClinVar aggregate classification (germline): Uncertain significance (1 of 4 stars; one submission).

Allele frequency attached by ClinVar (database versions not stated): TOPMed below 0.00001.
gnomAD v4.1: 13 of 1,613,462 alleles (0.00081%); highest among the groups gnomAD compares: Non-Finnish European, 0.0011%; no homozygotes.

Submission:

Labcorp Genetics (formerly Invitae), Labcorp
Classification: Uncertain significance. Last evaluated: 2023-07-31. Review status: criteria provided, single submitter. Criteria: Invitae Variant Classification Sherloc (09022015). Collection method: clinical testing. Allele origin: germline.
Comment: This sequence change falls in intron 24 of the ERBB2 gene. It does not directly change the encoded amino acid sequence of the ERBB2 protein. It affects a nucleotide within the consensus splice site. This variant is present in population databases (no rsID available, gnomAD 0.0009%). This variant has not been reported in the literature in individuals affected with ERBB2-related conditions. Variants that disrupt the consensus splice site are a relatively common cause of aberrant splicing (PMID: 17576681, 9536098). Algorithms developed to predict the effect of sequence changes on RNA splicing suggest that this variant is not likely to affect RNA splicing. In summary, the available evidence is currently insufficient to determine the role of this variant in disease. Therefore, it has been classified as a Variant of Uncertain Significance.

Literature cited by the submitters: PubMed 17576681; PubMed 9536098.

NM_004448.4(ERBB2):c.2970+5T>C

Gene: ERBB2 (erb-b2 receptor tyrosine kinase 2; plus strand). Cytogenetic location: 17q12.
Variant type: single nucleotide variant.
Coding change: c.2970+5T>C on transcript NM_004448.4 (MANE Select); 5 bases into the intron after coding-DNA position 2970, T replaced by C.
Molecular consequence: intron variant.
Genome position (GRCh38, 1-based): chr17:39,726,664, T>C. VCF-style: chr17-39726664-T-C. GRCh37 (hg19) VCF-style: chr17-37882917-T-C.
Other names: c.2880+5T>C (NM_001382782.1, NM_001005862.3, NM_001382783.1); c.2925+5T>C (NM_001289936.2); c.3045+5T>C (NM_001382787.1); c.3087+5T>C (NM_001382784.1); c.2970+5T>C (NM_001289937.2, NM_001382796.1); c.2814+5T>C (NM_001382798.1); c.2784+5T>C (NM_001382800.1); c.2871+5T>C (NM_001382797.1); and 15 more.
Identifiers: ClinVar variation 2885800 (VCV002885800.3), dbSNP rs1272219148, ClinGen allele CA626209678.
Genomic context (GRCh38, chr17:39,726,664, plus strand): 5'-TGGTGTCTGAATTCTCCCGCATGGCCAGGGACCCCCAGCGCTTTGTGGTCATCCAGGTAC[T>C]GGGCCTCTGTGCCCCATCCCTGCCTGTGGCTAAGAGCACCCTCCTGCAGAGGGTGGGAAG-3'